The following is an entry in ClinVar:

NM_001330078.2(NRXN1):c.832+135A>T

Gene: NRXN1 (neurexin 1; minus strand). Cytogenetic location: 2p16.3.
Variant type: single nucleotide variant.
Coding change: c.832+135A>T on transcript NM_001330078.2 (MANE Select); 135 bases into the intron after coding-DNA position 832, A replaced by T.
Molecular consequence: intron variant.
Genome position (GRCh38, 1-based): chr2:50,921,734, T>A on the plus strand (A>T on the coding strand, the complement: NRXN1 is on the minus strand). VCF-style: chr2-50921734-T-A. GRCh37 (hg19) VCF-style: chr2-51148872-T-A.
Other names: c.772+105768A>T (NM_001330096.2, NM_001330087.2, NM_001330083.2 and 1 more transcripts); c.802+924A>T (NM_001330088.2); c.829+135A>T (NM_001330093.2, NM_001330079.2); c.820+924A>T (NM_001330094.2); c.832+135A>T (NM_001330095.2, NM_001330082.2, NM_001330077.2 and 5 more transcripts); c.931+135A>T (NM_001135659.3).
Identifiers: ClinVar variation 667699 (VCV000667699.2), dbSNP rs36106628, ClinGen allele CA16097744.

ClinVar aggregate classification (germline): Benign. Review status: criteria provided, multiple submitters, no conflicts (2 of 4 stars). 2 submissions from 2 submitters: Benign (2). Last evaluated 2018-06-14.

Allele frequency attached by ClinVar (database versions not stated): 1000 Genomes Project 30x 0.17099; 1000 Genomes Project 0.17552; TOPMed 0.22561; gnomAD 0.24465 and 0.24466; gnomAD exomes 0.31601.
gnomAD v4.1: 114,879 of 399,320 alleles (29%); highest among the groups gnomAD compares: Non-Finnish European, 35%; 18,606 homozygotes.

Submissions (2):

GeneDx
Classification: Benign. Last evaluated: 2018-06-14. Review status: criteria provided, single submitter. Criteria: GeneDx Variant Classification (06012015). Collection method: clinical testing. Allele origin: germline. Affected: yes.
Comment: This variant is considered likely benign or benign based on one or more of the following criteria: it is a conservative change, it occurs at a poorly conserved position in the protein, it is predicted to be benign by multiple in silico algorithms, and/or has population frequency not consistent with disease.

Breakthrough Genomics
Classification: Benign. Review status: criteria provided, single submitter. Criteria: ACMG Guidelines, 2015. Collection method: not provided. Allele origin: germline. Inheritance: Autosomal recessive inheritance. Affected: yes.